The following is an entry in ClinVar:

NC_000015.9:g.(?_41099547)_(41099644_?)del

Genes: DNAJC17 (DnaJ heat shock protein family (Hsp40) member C17; minus strand), ZFYVE19 (zinc finger FYVE-type containing 19; plus strand). Cytogenetic location: 15q15.1.
Variant type: Deletion.
Identifiers: ClinVar variation 2426451 (VCV002426451.4).

ClinVar aggregate classification (germline): Uncertain significance (1 of 4 stars; one submission).

Submission:

Labcorp Genetics (formerly Invitae), Labcorp
Classification: Uncertain significance. Last evaluated: 2022-06-21. Review status: criteria provided, single submitter. Criteria: Invitae Variant Classification Sherloc (09022015). Collection method: clinical testing. Allele origin: germline.
Comment: In summary, the available evidence is currently insufficient to determine the role of this variant in disease. Therefore, it has been classified as a Variant of Uncertain Significance. This variant has not been reported in the literature in individuals affected with DNAJC17-related conditions. This variant is a gross deletion of the genomic region encompassing exon(s) 1 of the DNAJC17 gene, which includes the initiator codon. This deletion extends beyond the assayed region for this gene and therefore may encompass additional genes. It is expected to result in an absent or disrupted protein product. However, the current clinical and genetic evidence is not sufficient to establish whether loss-of-function variants in DNAJC17 cause disease.